The following is an entry in ClinVar:

ClinVar aggregate classification (germline): Uncertain significance. Review status: criteria provided, multiple submitters, no conflicts (2 of 4 stars). 2 submissions from 2 submitters: Uncertain significance (2). Last evaluated 2025-08-11.

Conditions:
Hereditary cancer-predisposing syndrome. Also called: Tumor predisposition; Hereditary Cancer Syndrome; Neoplastic Syndromes, Hereditary; Hereditary neoplastic syndrome. Identifiers: Orphanet 140162, MedGen C0027672, MeSH D009386, MONDO:0015356.
Ataxia-telangiectasia syndrome (AT). Also called: Cerebello-oculocutaneous telangiectasia; Immunodeficiency with ataxia telangiectasia; Ataxia-telangiectasia, complementation group D; AT, COMPLEMENTATION GROUP C; Ataxia-telangiectasia, complementation group E; LOUIS-BAR SYNDROME. Identifiers: Orphanet 100, MedGen C0004135, MONDO:0008840, OMIM 208900.

Submissions (2):

Labcorp Genetics (formerly Invitae), Labcorp
Classification: Uncertain significance for Ataxia-telangiectasia syndrome. Last evaluated: 2025-08-11. Review status: criteria provided, single submitter. Criteria: Invitae Variant Classification Sherloc (09022015). Collection method: clinical testing. Allele origin: germline.
Comment: This sequence change replaces phenylalanine, which is neutral and non-polar, with leucine, which is neutral and non-polar, at codon 1381 of the ATM protein (p.Phe1381Leu). This variant is not present in population databases (gnomAD no frequency). This variant has not been reported in the literature in individuals affected with ATM-related conditions. ClinVar contains an entry for this variant (Variation ID: 453503). Invitae Evidence Modeling of protein sequence and biophysical properties (such as structural, functional, and spatial information, amino acid conservation, physicochemical variation, residue mobility, and thermodynamic stability) indicates that this missense variant is not expected to disrupt ATM protein function with a negative predictive value of 95%. In summary, the available evidence is currently insufficient to determine the role of this variant in disease. Therefore, it has been classified as a Variant of Uncertain Significance.

Ambry Genetics
Classification: Uncertain significance for Hereditary cancer-predisposing syndrome. Last evaluated: 2018-03-30. Review status: criteria provided, single submitter. Criteria: Ambry Variant Classification Scheme 2023. Collection method: clinical testing. Allele origin: germline.
Comment: The p.F1381L variant (also known as c.4141T>C), located in coding exon 27 of the ATM gene, results from a T to C substitution at nucleotide position 4141. The phenylalanine at codon 1381 is replaced by leucine, an amino acid with highly similar properties. This amino acid position is highly conserved in available vertebrate species. In addition, the in silico prediction for this alteration is inconclusive. Since supporting evidence is limited at this time, the clinical significance of this alteration remains unclear.

NM_000051.4(ATM):c.4141T>C (p.Phe1381Leu)

Gene: ATM (ATM serine/threonine kinase; plus strand). Cytogenetic location: 11q22.3.
Variant type: single nucleotide variant.
Coding change: c.4141T>C on transcript NM_000051.4 (MANE Select); coding-DNA position 4141, T replaced by C.
Protein change: p.Phe1381Leu; replaces phenylalanine 1381 with leucine.
Molecular consequence: missense variant.
Genome position (GRCh38, 1-based): chr11:108,289,008, T>C. VCF-style: chr11-108289008-T-C. GRCh37 (hg19) VCF-style: chr11-108159735-T-C.
Other names: c.4141T>C, p.Phe1381Leu (NM_001351834.2); short protein forms F1381L.
Identifiers: ClinVar variation 453503 (VCV000453503.12), dbSNP rs1555096841, ClinGen allele CA382529919.